The following is an entry in ClinVar:

NM_001110556.2(FLNA):c.2488G>T (p.Asp830Tyr)

Gene: FLNA (filamin A; minus strand). Cytogenetic location: Xq28.
Variant type: single nucleotide variant.
Coding change: c.2488G>T on transcript NM_001110556.2 (MANE Select); coding-DNA position 2488, G replaced by T.
Protein change: p.Asp830Tyr; replaces aspartic acid 830 with tyrosine.
Molecular consequence: missense variant.
Genome position (GRCh38, 1-based): chrX:154,362,495, C>A on the plus strand (G>T on the coding strand, the complement: FLNA is on the minus strand). VCF-style: chrX-154362495-C-A. GRCh37 (hg19) VCF-style: chrX-153590863-C-A.
Other names: c.2488G>T, p.Asp830Tyr (NM_001456.4); short protein forms D830Y.
Identifiers: ClinVar variation 1492155 (VCV001492155.8), dbSNP rs782470966, ClinGen allele CA415236350.

ClinVar aggregate classification (germline): Uncertain significance (1 of 4 stars; one submission).

Conditions:
Oto-palato-digital syndrome, type II (OPD2). Also called: FACIOPALATOOSSEOUS SYNDROME; OPD II SYNDROME; Otopalatodigital Syndrome, Type II; Otopalatodigital Syndrome Type 2 (FLNA-OPD2). Identifiers: Orphanet 669, Orphanet 90652, MedGen C1844696, MONDO:0010571, OMIM 304120.
Heterotopia, periventricular, X-linked dominant (PVNH1). Also called: PERIVENTRICULAR NODULAR HETEROTOPIA 4; HETEROTOPIA, PERIVENTRICULAR, 1; PERIVENTRICULAR NODULAR HETEROTOPIA 1; X-linked periventricular heterotopia. Identifiers: Orphanet 2149, Orphanet 82004, MedGen C1848213, MONDO:0010233, OMIM 300049.
Melnick-Needles syndrome (MNS). Also called: MELNICK-NEEDLES OSTEODYSPLASTY; OSTEODYSPLASTY OF MELNICK AND NEEDLES; Melnick-Needles Syndrome (FLNA-MNS). Identifiers: Orphanet 2484, MedGen C0025237, MONDO:0010650, OMIM 309350.
Frontometaphyseal dysplasia (FMD1). Identifiers: Orphanet 1826, MedGen C0265293, MONDO:0015942.

Submission:

Labcorp Genetics (formerly Invitae), Labcorp
Classification: Uncertain significance for Oto-palato-digital syndrome, type II; Heterotopia, periventricular, X-linked dominant; Frontometaphyseal dysplasia; Melnick-Needles syndrome. Last evaluated: 2021-05-29. Review status: criteria provided, single submitter. Criteria: Invitae Variant Classification Sherloc (09022015). Collection method: clinical testing. Allele origin: germline.
Comment: Advanced modeling of protein sequence and biophysical properties (such as structural, functional, and spatial information, amino acid conservation, physicochemical variation, residue mobility, and thermodynamic stability) performed at Invitae indicates that this missense variant is not expected to disrupt FLNA protein function. In summary, the available evidence is currently insufficient to determine the role of this variant in disease. Therefore, it has been classified as a Variant of Uncertain Significance. This variant has not been reported in the literature in individuals with FLNA-related conditions. This variant is not present in population databases (ExAC no frequency). This sequence change replaces aspartic acid with tyrosine at codon 830 of the FLNA protein (p.Asp830Tyr). The aspartic acid residue is highly conserved and there is a large physicochemical difference between aspartic acid and tyrosine.